The following is an entry in ClinVar:

NM_006348.5(COG5):c.2449A>G (p.Met817Val)

Gene: COG5 (component of oligomeric golgi complex 5; minus strand). Cytogenetic location: 7q22.3.
Variant type: single nucleotide variant.
Coding change: c.2449A>G on transcript NM_006348.5 (MANE Select); coding-DNA position 2449, A replaced by G.
Protein change: p.Met817Val; replaces methionine 817 with valine.
Molecular consequence: missense variant.
Genome position (GRCh38, 1-based): chr7:107,203,557, T>C on the plus strand (A>G on the coding strand, the complement: COG5 is on the minus strand). VCF-style: chr7-107203557-T-C. GRCh37 (hg19) VCF-style: chr7-106844002-T-C.
Other names: c.2287A>G, p.Met763Val (NM_001379511.1); c.2275A>G, p.Met759Val (NM_001379512.1); c.2242A>G, p.Met748Val (NM_001379513.1); c.2134A>G, p.Met712Val (NM_001379514.1); c.1879A>G, p.Met627Val (NM_001379515.1); c.1735A>G, p.Met579Val (NM_001379516.1); c.2386A>G, p.Met796Val (NM_181733.4); c.2542A>G (NM_006348.3); short protein forms M817V, M579V, M748V, M627V, M712V, M759V, M763V, M796V.
Identifiers: ClinVar variation 1430591 (VCV001430591.6), dbSNP rs1005257968, ClinGen allele CA164178114.

ClinVar aggregate classification (germline): Uncertain significance. Review status: criteria provided, multiple submitters, no conflicts (2 of 4 stars). 2 submissions from 2 submitters: Uncertain significance (2). Last evaluated 2024-08-14.

Conditions:
COG5-congenital disorder of glycosylation. Also called: COG5-CDG; CDG IIi; CONGENITAL DISORDER OF GLYCOSYLATION, TYPE IIi. Identifiers: Orphanet 263487, MedGen C3150876, MONDO:0013325, OMIM 613612.
Inborn genetic diseases. Identifiers: MedGen C0950123, MeSH D030342.

Allele frequency attached by ClinVar (database versions not stated): gnomAD exomes below 0.00001 and 0.00001; gnomAD 0.00001; TOPMed 0.00002.
gnomAD v4.1: 15 of 1,613,892 alleles (0.00093%); highest among the groups gnomAD compares: Admixed American, 0.0017%; no homozygotes.

Submissions (2):

Ambry Genetics
Classification: Uncertain significance for Inborn genetic diseases. Last evaluated: 2024-08-14. Review status: criteria provided, single submitter. Criteria: Ambry Variant Classification Scheme 2023. Collection method: clinical testing. Allele origin: germline.

Labcorp Genetics (formerly Invitae), Labcorp
Classification: Uncertain significance for COG5-congenital disorder of glycosylation. Last evaluated: 2021-09-17. Review status: criteria provided, single submitter. Criteria: Invitae Variant Classification Sherloc (09022015). Collection method: clinical testing. Allele origin: germline.
Comment: This sequence change replaces methionine with valine at codon 848 of the COG5 protein (p.Met848Val). The methionine residue is highly conserved and there is a small physicochemical difference between methionine and valine. This variant is not present in population databases (ExAC no frequency). This variant has not been reported in the literature in individuals affected with COG5-related conditions. Algorithms developed to predict the effect of missense changes on protein structure and function are either unavailable or do not agree on the potential impact of this missense change (SIFT: "Tolerated"; PolyPhen-2: "Possibly Damaging"; Align-GVGD: "Class C0"). Algorithms developed to predict the effect of sequence changes on RNA splicing suggest that this variant may create or strengthen a splice site. In summary, the available evidence is currently insufficient to determine the role of this variant in disease. Therefore, it has been classified as a Variant of Uncertain Significance.